The following is an entry in ClinVar:

NM_001292063.2(OTOG):c.2263G>A (p.Val755Ile)

Gene: OTOG (otogelin; plus strand). Cytogenetic location: 11p15.1.
Variant type: single nucleotide variant.
Coding change: c.2263G>A on transcript NM_001292063.2 (MANE Select); coding-DNA position 2263, G replaced by A.
Protein change: p.Val755Ile; replaces valine 755 with isoleucine.
Molecular consequence: missense variant.
Genome position (GRCh38, 1-based): chr11:17,573,260, G>A. VCF-style: chr11-17573260-G-A. GRCh37 (hg19) VCF-style: chr11-17594807-G-A.
Other names: c.2299G>A, p.Val767Ile (NM_001277269.2); c.2299G>A (NM_001277269.1); short protein forms V767I, V755I.
Identifiers: ClinVar variation 1403751 (VCV001403751.4), dbSNP rs138477595, ClinGen allele CA218451741.
Genomic context (GRCh38, chr11:17,573,260, plus strand): 5'-CCCTGCCTGTGCGCCACACTGGCCCACTACGCCCACCTGTGCCGGCGCCATGGGCTCCCC[G>A]TTGATTTCCGCGCCCGCCTGCCAGCCTGTGGTGAGTGCCCCACCCATGTGAGGCTGAGCT-3'
Protein context (NP_001278992.1, residues 745-765): AHLCRRHGLP[Val755Ile]DFRARLPACA

ClinVar aggregate classification (germline): Uncertain significance. Review status: criteria provided, multiple submitters, no conflicts (2 of 4 stars). 2 submissions from 2 submitters: Uncertain significance (2). Last evaluated 2026-06-30.

Allele frequency attached by ClinVar (database versions not stated): gnomAD 0.00021 and 0.00020; gnomAD exomes 0.00010 and 0.00004; 1000 Genomes Project 0.00080; TOPMed 0.00023; 1000 Genomes Project 30x 0.00047.
gnomAD v4.1: 83 of 1,530,196 alleles (0.0054%); highest among the groups gnomAD compares: African/African-American, 0.055%; 2 homozygotes.

Submissions (2):

GeneDx
Classification: Uncertain significance. Last evaluated: 2026-06-30. Review status: criteria provided, single submitter. Criteria: GeneDx Variant Classification Process June 2021. Collection method: clinical testing. Allele origin: germline.
Comment: In silico analysis suggests that this missense variant does not alter protein structure/function; Has not been previously published as pathogenic or benign to our knowledge

Labcorp Genetics (formerly Invitae), Labcorp
Classification: Uncertain significance. Last evaluated: 2022-09-06. Review status: criteria provided, single submitter. Criteria: Invitae Variant Classification Sherloc (09022015). Collection method: clinical testing. Allele origin: germline.
Comment: This sequence change replaces valine, which is neutral and non-polar, with isoleucine, which is neutral and non-polar, at codon 767 of the OTOG protein (p.Val767Ile). This variant is present in population databases (rs138477595, gnomAD 0.05%). This variant has not been reported in the literature in individuals affected with OTOG-related conditions. ClinVar contains an entry for this variant (Variation ID: 1403751). Algorithms developed to predict the effect of missense changes on protein structure and function output the following: SIFT: "Tolerated"; PolyPhen-2: "Benign"; Align-GVGD: "Class C0". The isoleucine amino acid residue is found in multiple mammalian species, which suggests that this missense change does not adversely affect protein function. In summary, the available evidence is currently insufficient to determine the role of this variant in disease. Therefore, it has been classified as a Variant of Uncertain Significance.